The following is an entry in ClinVar:

NM_000465.4(BARD1):c.1622C>A (p.Ser541Ter)

Gene: BARD1 (BRCA1 associated RING domain 1; minus strand). Cytogenetic location: 2q35.
Variant type: single nucleotide variant.
Coding change: c.1622C>A on transcript NM_000465.4 (MANE Select); coding-DNA position 1622, C replaced by A.
Protein change: p.Ser541Ter; replaces serine 541 with a stop codon.
Molecular consequence: nonsense. On other transcripts: non-coding transcript variant (3), intron variant (1).
Genome position (GRCh38, 1-based): chr2:214,752,502, G>T on the plus strand (C>A on the coding strand, the complement: BARD1 is on the minus strand). VCF-style: chr2-214752502-G-T. GRCh37 (hg19) VCF-style: chr2-215617226-G-T.
Other names: c.1565C>A, p.Ser522Ter (NM_001282543.2); c.269C>A, p.Ser90Ter (NM_001282545.2); c.212C>A, p.Ser71Ter (NM_001282548.2); c.365-21994C>A (NM_001282549.2); short protein forms S541*, S522*, S90*, S71*.
Identifiers: ClinVar variation 379750 (VCV000379750.19), dbSNP rs777937955, ClinGen allele CA16604377.

ClinVar aggregate classification (germline): Pathogenic. Review status: criteria provided, multiple submitters, no conflicts (2 of 4 stars). 7 submissions from 7 submitters: Pathogenic (7). Last evaluated 2024-09-06.

Conditions:
Hereditary cancer-predisposing syndrome. Also called: Tumor predisposition; Hereditary neoplastic syndrome; Neoplastic Syndromes, Hereditary; Hereditary Cancer Syndrome. Identifiers: Orphanet 140162, MedGen C0027672, MeSH D009386, MONDO:0015356.
Familial cancer of breast. Also called: hereditary breast carcinoma; Hereditary breast cancer; BREAST CANCER, FAMILIAL. Identifiers: Orphanet 227535, MedGen C0346153, MONDO:0016419, OMIM 114480. Disease mechanism: loss of function.

gnomAD v4.1: 1 of 1,613,726 alleles (0.000062%); highest among the groups gnomAD compares: Non-Finnish European, 0.000085%; no homozygotes.

Submissions (7):

Ambry Genetics
Classification: Pathogenic for Hereditary cancer-predisposing syndrome. Last evaluated: 2024-09-06. Review status: criteria provided, single submitter. Criteria: Ambry Variant Classification Scheme 2023. Collection method: clinical testing. Allele origin: germline.
Comment: The p.S541* pathogenic mutation (also known as c.1622C>A), located in coding exon 7 of the BARD1 gene, results from a C to A substitution at nucleotide position 1622. This changes the amino acid from a serine to a stop codon within coding exon 7. This variant is considered to be rare based on population cohorts in the Genome Aggregation Database (gnomAD). This alteration is expected to result in loss of function by premature protein truncation or nonsense-mediated mRNA decay. As such, this alteration is interpreted as a disease-causing mutation.

Labcorp Genetics (formerly Invitae), Labcorp
Classification: Pathogenic for Familial cancer of breast. Last evaluated: 2024-04-10. Review status: criteria provided, single submitter. Criteria: Invitae Variant Classification Sherloc (09022015). Collection method: clinical testing. Allele origin: germline.
Comment: This sequence change creates a premature translational stop signal (p.Ser541*) in the BARD1 gene. It is expected to result in an absent or disrupted protein product. Loss-of-function variants in BARD1 are known to be pathogenic (PMID: 20077502, 21344236). This variant is not present in population databases (gnomAD no frequency). This premature translational stop signal has been observed in individual(s) with triple negative breast cancer (PMID: 27083178). ClinVar contains an entry for this variant (Variation ID: 379750). Algorithms developed to predict the effect of sequence changes on RNA splicing suggest that this variant may disrupt the consensus splice site. For these reasons, this variant has been classified as Pathogenic.

Myriad Genetics, Inc.
Classification: Pathogenic for Familial cancer of breast. Last evaluated: 2023-05-23. Review status: criteria provided, single submitter. Criteria: Myriad Autosomal Dominant, Autosomal Recessive and X-Linked Classification Criteria (2023). Collection method: clinical testing. Allele origin: unknown.
Comment: This variant is considered pathogenic. This variant creates a termination codon and is predicted to result in premature protein truncation.

Institute for Clinical Genetics, University Hospital TU Dresden, University Hospital TU Dresden
Classification: Pathogenic. Last evaluated: 2023-05-16. Review status: criteria provided, single submitter. Criteria: ACMG Guidelines, 2015. Collection method: clinical testing. Allele origin: germline.

Baylor Genetics
Classification: Pathogenic for Familial cancer of breast. Last evaluated: 2022-11-09. Review status: criteria provided, single submitter. Criteria: ACMG Guidelines, 2015. Collection method: clinical testing. Allele origin: unknown.

Color Diagnostics, LLC DBA Color Health
Classification: Pathogenic for Hereditary cancer-predisposing syndrome. Last evaluated: 2020-05-14. Review status: criteria provided, single submitter. Criteria: ACMG Guidelines, 2015. Collection method: clinical testing. Allele origin: germline.
Comment: This variant changes 1 nucleotide in exon 7 of the BARD1 gene, creating a premature translation stop signal. This variant is expected to result in an absent or non-functional protein product. This variant has been observed in an individual affected with triple-negative breast cancer (PMID: 27083178). This variant has not been identified in the general population by the Genome Aggregation Database (gnomAD). Loss of BARD1 function is a known mechanism of disease. Based on the available evidence, this variant is classified as Pathogenic.

GeneDx
Classification: Pathogenic. Last evaluated: 2015-05-14. Review status: criteria provided, single submitter. Criteria: GeneDx Variant Classification (06012015). Collection method: clinical testing. Allele origin: germline. Affected: yes.
Comment: This pathogenic variant is denoted BARD1 c.1622C>A at the cDNA level and p.Ser541Ter (S541X) at the protein level. The substitution creates a nonsense variant, which changes a Serine to a premature stop codon (TCG>TAG), and is predicted to cause loss of normal protein function through either protein truncation or nonsense-mediated mRNA decay. Although this variant has not, to our knowledge, been reported in the literature, it is considered pathogenic.

Literature cited by the submitters: PubMed 20077502 (cited by Labcorp Genetics (formerly Invitae), Labcorp); PubMed 21344236 (cited by Labcorp Genetics (formerly Invitae), Labcorp); PubMed 27083178 (cited by Labcorp Genetics (formerly Invitae), Labcorp).